The following is an entry in ClinVar:

ClinVar aggregate classification (germline): Uncertain significance (1 of 4 stars; one submission).

Submission:

Labcorp Genetics (formerly Invitae), Labcorp
Classification: Uncertain significance. Last evaluated: 2025-07-30. Review status: criteria provided, single submitter. Criteria: Invitae Variant Classification Sherloc (09022015). Collection method: clinical testing. Allele origin: germline.
Comment: This sequence change falls in intron 4 of the HPS1 gene. It does not directly change the encoded amino acid sequence of the HPS1 protein. This variant is not present in population databases (gnomAD no frequency). This variant has not been reported in the literature in individuals affected with HPS1-related conditions. In summary, the available evidence is currently insufficient to determine the role of this variant in disease. Therefore, it has been classified as a Variant of Uncertain Significance.

NM_000195.5(HPS1):c.256-21_256-5del

Gene: HPS1 (HPS1 biogenesis of lysosomal organelles complex 3 subunit 1; minus strand). Cytogenetic location: 10q24.2.
Variant type: Deletion.
Coding change: c.256-21_256-5del on transcript NM_000195.5 (MANE Select); 21 bases into the intron before coding-DNA position 256 through 5 bases into the intron before coding-DNA position 256, 17 bases deleted (CTGGCCTGCCTGTGCCT).
Molecular consequence: intron variant.
Genome position (GRCh38, 1-based): chr10:98,435,419-98,435,435, AGGCACAGGCAGGCCAG deleted on the plus strand (CTGGCCTGCCTGTGCCT on the coding strand, the reverse complement: HPS1 is on the minus strand). VCF-style (leftmost placement, unchanged base first): chr10-98435418-CAGGCACAGGCAGGCCAG-C. GRCh37 (hg19) VCF-style: chr10-100195175-CAGGCACAGGCAGGCCAG-C.
Other names: c.29+200_29+216del (NM_001322483.2, NM_001322485.2, NM_001322484.2); c.255+200_255+216del (NM_001322480.2, NM_001322482.2, NM_001322481.2); c.256-21_256-5del (NM_001322478.2, NM_001322476.2, NM_001322479.2 and 5 more transcripts); c.-519+200_-519+216del (NM_001322489.2); c.-661-21_-661-5del (NM_001311345.2); c.-760-21_-760-5del (NM_001322487.2).
Identifiers: ClinVar variation 4798873 (VCV004798873.1).